The following is an entry in ClinVar:

NM_015215.4(CAMTA1):c.2347G>A (p.Val783Met)

Gene: CAMTA1 (calmodulin binding transcription activator 1; plus strand). Cytogenetic location: 1p36.23.
Variant type: single nucleotide variant.
Coding change: c.2347G>A on transcript NM_015215.4 (MANE Select); coding-DNA position 2347, G replaced by A.
Protein change: p.Val783Met; replaces valine 783 with methionine.
Molecular consequence: missense variant.
Genome position (GRCh38, 1-based): chr1:7,664,894, G>A. VCF-style: chr1-7664894-G-A. GRCh37 (hg19) VCF-style: chr1-7724954-G-A.
Other names: c.2257G>A, p.Val753Met (NM_001349608.2, NM_001349612.2); c.2347G>A, p.Val783Met (NM_001349609.2, NM_001349610.2, NM_001410737.1); c.2275G>A, p.Val759Met (NM_001410738.1); short protein forms V753M, V759M, V783M.
Identifiers: ClinVar variation 2408024 (VCV002408024.5), dbSNP rs370719100, ClinGen allele CA566621.

ClinVar aggregate classification (germline): Uncertain significance. Review status: criteria provided, multiple submitters, no conflicts (2 of 4 stars). 2 submissions from 2 submitters: Uncertain significance (2). Last evaluated 2023-12-01.

Conditions:
Inborn genetic diseases. Identifiers: MedGen C0950123, MeSH D030342.

Allele frequency attached by ClinVar (database versions not stated): ESP Exome Variant Server 0.00008.
gnomAD v4.1: 95 of 1,613,244 alleles (0.0059%); highest among the groups gnomAD compares: Non-Finnish European, 0.0076%; no homozygotes.

Submissions (2):

Labcorp Genetics (formerly Invitae), Labcorp
Classification: Uncertain significance. Last evaluated: 2023-12-01. Review status: criteria provided, single submitter. Criteria: Invitae Variant Classification Sherloc (09022015). Collection method: clinical testing. Allele origin: germline.
Comment: This sequence change replaces valine, which is neutral and non-polar, with methionine, which is neutral and non-polar, at codon 783 of the CAMTA1 protein (p.Val783Met). This variant is present in population databases (rs370719100, gnomAD 0.006%). This variant has not been reported in the literature in individuals affected with CAMTA1-related conditions. ClinVar contains an entry for this variant (Variation ID: 2408024). An algorithm developed to predict the effect of missense changes on protein structure and function (PolyPhen-2) suggests that this variant is likely to be disruptive. In summary, the available evidence is currently insufficient to determine the role of this variant in disease. Therefore, it has been classified as a Variant of Uncertain Significance.

Ambry Genetics
Classification: Uncertain significance for Inborn genetic diseases. Last evaluated: 2021-12-14. Review status: criteria provided, single submitter. Criteria: Ambry Variant Classification Scheme 2023. Collection method: clinical testing. Allele origin: germline.